The following is an entry in ClinVar:

NM_001036.6(RYR3):c.703A>G (p.Thr235Ala)

Gene: RYR3 (ryanodine receptor 3; plus strand). Cytogenetic location: 15q14.
Variant type: single nucleotide variant.
Coding change: c.703A>G on transcript NM_001036.6 (MANE Select); coding-DNA position 703, A replaced by G.
Protein change: p.Thr235Ala; replaces threonine 235 with alanine.
Molecular consequence: missense variant.
Genome position (GRCh38, 1-based): chr15:33,543,678, A>G. VCF-style: chr15-33543678-A-G. GRCh37 (hg19) VCF-style: chr15-33835879-A-G.
Other names: c.703A>G, p.Thr235Ala (NM_001243996.4); short protein forms T235A.
Identifiers: ClinVar variation 1055430 (VCV001055430.9), dbSNP rs760619857, ClinGen allele CA7457899.
Genomic context (GRCh38, chr15:33,543,678, plus strand): 5'-ACAGGATACCTACTTGGTGGGCATGTAGTACGTCTTTTCCATGGTCATGATGAATGTTTG[A>G]CGATACCATCTACAGACCAGAATGATTCCCAGCACAGGTAAGTCAGTAGCTGCATTCTTC-3'
Protein context (NP_001027.3, residues 225-245): RLFHGHDECL[Thr235Ala]IPSTDQNDSQ

ClinVar aggregate classification (germline): Uncertain significance (1 of 4 stars; one submission).

Conditions:
Epileptic encephalopathy. Identifiers: MedGen C0543888, HP:0200134.

Allele frequency attached by ClinVar (database versions not stated): gnomAD exomes below 0.00001 and 0.00002; ExAC 0.00001; gnomAD 0.00001; TOPMed 0.00001.
gnomAD v4.1: 26 of 1,612,862 alleles (0.0016%); highest among the groups gnomAD compares: Non-Finnish European, 0.002%; no homozygotes.

Submission:

Labcorp Genetics (formerly Invitae), Labcorp
Classification: Uncertain significance for Epileptic encephalopathy. Last evaluated: 2020-02-04. Review status: criteria provided, single submitter. Criteria: Invitae Variant Classification Sherloc (09022015). Collection method: clinical testing. Allele origin: germline.
Comment: Algorithms developed to predict the effect of missense changes on protein structure and function are either unavailable or do not agree on the potential impact of this missense change (SIFT: "Deleterious"; PolyPhen-2: "Benign"; Align-GVGD: "Class C0"). In summary, the available evidence is currently insufficient to determine the role of this variant in disease. Therefore, it has been classified as a Variant of Uncertain Significance. This sequence change replaces threonine with alanine at codon 235 of the RYR3 protein (p.Thr235Ala). The threonine residue is highly conserved and there is a small physicochemical difference between threonine and alanine. This variant is present in population databases (rs760619857, ExAC 0.001%). This variant has not been reported in the literature in individuals with RYR3-related conditions.